The following is an entry in ClinVar:

ClinVar aggregate classification (germline): Uncertain significance (1 of 4 stars; one submission).

Submission:

GeneDx
Classification: Uncertain significance. Last evaluated: 2019-10-30. Review status: criteria provided, single submitter. Criteria: GeneDx Variant Classification Process June 2021. Collection method: clinical testing. Allele origin: germline. Affected: yes.
Comment: In silico analysis, which includes protein predictors and evolutionary conservation, supports that this variant does not alter protein structure/function; Has not been previously published as pathogenic or benign to our knowledge

NM_030632.3(ASXL3):c.2612G>A (p.Arg871Lys)

Gene: ASXL3 (ASXL transcriptional regulator 3; plus strand). Cytogenetic location: 18q12.1.
Variant type: single nucleotide variant.
Coding change: c.2612G>A on transcript NM_030632.3 (MANE Select); coding-DNA position 2612, G replaced by A.
Protein change: p.Arg871Lys; replaces arginine 871 with lysine.
Molecular consequence: missense variant.
Genome position (GRCh38, 1-based): chr18:33,740,016, G>A. VCF-style: chr18-33740016-G-A. GRCh37 (hg19) VCF-style: chr18-31319980-G-A.
Other names: short protein forms R871K.
Identifiers: ClinVar variation 1309772 (VCV001309772.2), dbSNP rs1229293979, ClinGen allele CA402180877.